The following is an entry in ClinVar:

ClinVar aggregate classification (germline): Uncertain significance (1 of 4 stars; one submission).

Conditions:
Cardiovascular phenotype. Identifiers: MedGen CN230736.

Allele frequency attached by ClinVar (database versions not stated): gnomAD exomes below 0.00001; TOPMed below 0.00001; ExAC 0.00001; gnomAD 0.00001; ESP Exome Variant Server 0.00008.
gnomAD v4.1: 5 of 1,613,822 alleles (0.00031%); highest among the groups gnomAD compares: African/African-American, 0.0013%; no homozygotes.

Submission:

Ambry Genetics
Classification: Uncertain significance for Cardiovascular phenotype. Last evaluated: 2022-11-10. Review status: criteria provided, single submitter. Criteria: Ambry Variant Classification Scheme 2023. Collection method: clinical testing. Allele origin: germline.
Comment: The p.T234A variant (also known as c.700A>G), located in coding exon 8 of the EYA4 gene, results from an A to G substitution at nucleotide position 700. The threonine at codon 234 is replaced by alanine, an amino acid with similar properties. This amino acid position is conserved. In addition, this alteration is predicted to be tolerated by in silico analysis. Since supporting evidence is limited at this time, the clinical significance of this alteration remains unclear.

NM_004100.5(EYA4):c.700A>G (p.Thr234Ala)

Gene: EYA4 (EYA transcriptional coactivator and phosphatase 4; plus strand). Cytogenetic location: 6q23.2.
Variant type: single nucleotide variant.
Coding change: c.700A>G on transcript NM_004100.5 (MANE Select); coding-DNA position 700, A replaced by G.
Protein change: p.Thr234Ala; replaces threonine 234 with alanine.
Molecular consequence: missense variant.
Genome position (GRCh38, 1-based): chr6:133,462,740, A>G. VCF-style: chr6-133462740-A-G. GRCh37 (hg19) VCF-style: chr6-133783878-A-G.
Other names: c.538A>G, p.Thr180Ala (NM_001301012.2, NM_001370459.1); c.700A>G, p.Thr234Ala (NM_001301013.2, NM_172105.4); c.631A>G, p.Thr211Ala (NM_001370458.1, NM_172103.4); short protein forms T180A, T211A, T234A.
Identifiers: ClinVar variation 2496944 (VCV002496944.2), dbSNP rs369970013, ClinGen allele CA4008130.